The following is an entry in ClinVar:

ClinVar aggregate classification (germline): Likely benign (1 of 4 stars; one submission).

gnomAD v4.1: 2,546 of 1,607,626 alleles (0.16%); highest among the groups gnomAD compares: Middle Eastern, 0.38%; 3 homozygotes.

Submission:

CeGaT Center for Human Genetics Tuebingen
Classification: Likely benign. Last evaluated: 2026-07-01. Review status: criteria provided, single submitter. Criteria: CeGaT Center For Human Genetics Tuebingen Variant Classification Criteria Version 2. Collection method: clinical testing. Allele origin: germline. Affected: yes. Observed: 1 variant allele.
Comment: RCL1: BP4

NM_005772.5(RCL1):c.-6G>A

Genes: RCL1 (RNA terminal phosphate cyclase like 1; plus strand), LOC130001492 (ATAC-STARR-seq lymphoblastoid active region 28150; plus strand). Cytogenetic location: 9p24.1.
Variant type: single nucleotide variant.
Coding change: c.-6G>A on transcript NM_005772.5 (MANE Select); 6 bases upstream of the start codon, G replaced by A.
Molecular consequence: 5 prime UTR variant.
Genome position (GRCh38, 1-based): chr9:4,793,086, G>A. VCF-style: chr9-4793086-G-A. GRCh37 (hg19) VCF-style: chr9-4793086-G-A.
Other names: c.-232G>A (NM_001286699.2); c.-304G>A (NM_001286700.2).
Identifiers: ClinVar variation 5038580 (VCV005038580.1).